The following is an entry in ClinVar:

NM_206933.4(USH2A):c.6804T>A (p.Asn2268Lys)

Gene: USH2A (usherin; minus strand). Cytogenetic location: 1q41.
Variant type: single nucleotide variant.
Coding change: c.6804T>A on transcript NM_206933.4 (MANE Select); coding-DNA position 6804, T replaced by A.
Protein change: p.Asn2268Lys; replaces asparagine 2268 with lysine.
Molecular consequence: missense variant.
Genome position (GRCh38, 1-based): chr1:215,993,021, A>T on the plus strand (T>A on the coding strand, the complement: USH2A is on the minus strand). VCF-style: chr1-215993021-A-T. GRCh37 (hg19) VCF-style: chr1-216166363-A-T.
Other names: short protein forms N2268K.
Identifiers: ClinVar variation 3717717 (VCV003717717.2).

ClinVar aggregate classification (germline): Uncertain significance (1 of 4 stars; one submission).

Submission:

Labcorp Genetics (formerly Invitae), Labcorp
Classification: Uncertain significance. Last evaluated: 2024-05-27. Review status: criteria provided, single submitter. Criteria: Invitae Variant Classification Sherloc (09022015). Collection method: clinical testing. Allele origin: germline.
Comment: This sequence change replaces asparagine, which is neutral and polar, with lysine, which is basic and polar, at codon 2268 of the USH2A protein (p.Asn2268Lys). This variant is present in population databases (rs770270757, gnomAD 0.006%). This variant has not been reported in the literature in individuals affected with USH2A-related conditions. An algorithm developed to predict the effect of missense changes on protein structure and function (PolyPhen-2) suggests that this variant is likely to be disruptive. In summary, the available evidence is currently insufficient to determine the role of this variant in disease. Therefore, it has been classified as a Variant of Uncertain Significance.